The following is an entry in ClinVar:

ClinVar aggregate classification (germline): Uncertain significance. Review status: criteria provided, multiple submitters, no conflicts (2 of 4 stars). 3 submissions from 3 submitters: Uncertain significance (3). Last evaluated 2025-01-07.

Conditions:
Autosomal recessive limb-girdle muscular dystrophy type 2E (LGMDR4). Also called: MUSCULAR DYSTROPHY, LIMB-GIRDLE, AUTOSOMAL RECESSIVE 4. Identifiers: Orphanet 119, MedGen C1858593, MONDO:0011423, OMIM 604286. Disease mechanism: Affects gamma-sarcoglycan and also disrupts the integrity of the entire sarcoglycan complex..

Submissions (3):

Revvity Omics, Revvity
Classification: Uncertain significance for Autosomal recessive limb-girdle muscular dystrophy type 2E. Last evaluated: 2025-01-07. Review status: criteria provided, single submitter. Criteria: ACMG Guidelines, 2015. Collection method: clinical testing. Allele origin: germline.

Women's Health and Genetics/Laboratory Corporation of America, LabCorp
Classification: Uncertain significance. Last evaluated: 2023-11-15. Review status: criteria provided, single submitter. Criteria: LabCorp Variant Classification Summary - May 2015. Collection method: clinical testing. Allele origin: germline.
Comment: Variant summary: SGCB c.416G>A (p.Gly139Asp) results in a non-conservative amino acid change in the encoded protein sequence. Five of five in-silico tools predict a damaging effect of the variant on protein function. The variant was absent in 251438 control chromosomes. The available data on variant occurrences in the general population are insufficient to allow any conclusion about variant significance. c.416G>A has been reported in the literature in one individual affected with Autosomal Recessive Duchenne-like muscular dystrophy without strong evidence for causality (example, Duggan_1997). These report(s) do not provide unequivocal conclusions about association of the variant with Limb-Girdle Muscular Dystrophy, Autosomal Recessive. To our knowledge, no experimental evidence demonstrating an impact on protein function has been reported. The following publication have been ascertained in the context of this evaluation (PMID: 9032047). Two submitters have cited clinical-significance assessments for this variant to ClinVar after 2014. Both submitters classified the variant as uncertain significance. Based on the evidence outlined above, the variant was classified as uncertain significance.

Eurofins Ntd Llc (ga)
Classification: Uncertain significance. Last evaluated: 2018-07-30. Review status: criteria provided, single submitter. Criteria: EGL ClinVar v180209 classification definitions. Collection method: clinical testing. Allele origin: germline. Observed: 1 variant allele, 1 heterozygote.

Literature cited by the submitters: PubMed 9032047 (cited by Women's Health and Genetics/Laboratory Corporation of America, LabCorp).

NM_000232.5(SGCB):c.416G>A (p.Gly139Asp)

Gene: SGCB (sarcoglycan beta; minus strand). Cytogenetic location: 4q12.
Variant type: single nucleotide variant.
Coding change: c.416G>A on transcript NM_000232.5 (MANE Select); coding-DNA position 416, G replaced by A.
Protein change: p.Gly139Asp; replaces glycine 139 with aspartic acid.
Molecular consequence: missense variant.
Genome position (GRCh38, 1-based): chr4:52,029,691, C>T on the plus strand (G>A on the coding strand, the complement: SGCB is on the minus strand). VCF-style: chr4-52029691-C-T. GRCh37 (hg19) VCF-style: chr4-52895857-C-T.
Other names: c.416G>A (NM_000232.4); short protein forms G139D.
Identifiers: ClinVar variation 598036 (VCV000598036.9), dbSNP rs1560567653, ClinGen allele CA356877147.